The following is an entry in ClinVar:

ClinVar aggregate classification (germline): Pathogenic (1 of 4 stars; one submission).

Conditions:
Rare genetic deafness. Identifiers: Orphanet 96210, MedGen C5680250.

Submission:

Laboratory for Molecular Medicine, Mass General Brigham Personalized Medicine
Classification: Pathogenic for Rare genetic deafness. Last evaluated: 2014-05-16. Review status: criteria provided, single submitter. Criteria: LMM Criteria. Collection method: clinical testing. Allele origin: germline. Inheritance: Autosomal recessive inheritance. Observed: 1 variant allele.
Comment: The deletion of exons 2 to 8 in PCDH15 has not been previously reported; however , a deletions that overlap with this region have been previously described in se veral individuals with Usher syndrome (Roux 2006, Le Guedard 2007, Roux 2011, Gl ockle 2014). This deletion encompasses at least the first 876 amino acids of the PCDH15 protein, including the translation initiation start codon (ATG), and the refore is likely to result in absent or truncated protein. In summary, this vari ant meets our criteria to be classified as pathogenic (/LMM).

Literature cited by the submitters: PubMed 17277737; PubMed 16679490; PubMed 23591405; PubMed 21436283.

NM_033056.3(PCDH15):c.(?_-15)_(876_?)del

Genes: MIR548F1 (microRNA 548f-1; minus strand), PCDH15 (protocadherin related 15; minus strand), LOC105378311 (uncharacterized LOC105378311; plus strand). Cytogenetic location: 10q21.1.
Variant type: Deletion.
Coding change: c.(?_-15)_(876_?)del on transcript NM_033056.3; a large deletion whose breakpoints are not mapped to the base.
Other names: c.(?_-15)_(876_?)del (NM_033056.3).
Identifiers: ClinVar variation 164883 (VCV000164883.5).